The following is an entry in ClinVar:

ClinVar aggregate classification (germline): Pathogenic (1 of 4 stars; one submission).

Conditions:
Cohen syndrome (COH1). Also called: Cutis verticis gyrata, retinitis pigmentosa, and sensorineural deafness; PEPPER SYNDROME. Identifiers: Orphanet 193, MedGen C0265223, MONDO:0008999, OMIM 216550.

gnomAD v4.1: 1 of 1,613,936 alleles (0.000062%); highest among the groups gnomAD compares: Non-Finnish European, 0.000085%; no homozygotes.

Submission:

Labcorp Genetics (formerly Invitae), Labcorp
Classification: Pathogenic for Cohen syndrome. Last evaluated: 2025-04-16. Review status: criteria provided, single submitter. Criteria: Invitae Variant Classification Sherloc (09022015). Collection method: clinical testing. Allele origin: germline.
Comment: This sequence change creates a premature translational stop signal (p.Gln1120*) in the VPS13B gene. It is expected to result in an absent or disrupted protein product. Loss-of-function variants in VPS13B are known to be pathogenic (PMID: 15141358, 16648375, 20461111). This variant is not present in population databases (gnomAD no frequency). This variant has not been reported in the literature in individuals affected with VPS13B-related conditions. For these reasons, this variant has been classified as Pathogenic.

Literature cited by the submitters: PubMed 15141358; PubMed 16648375; PubMed 20461111.

NM_152564.5(VPS13B):c.3358C>T (p.Gln1120Ter)

Gene: VPS13B (vacuolar protein sorting 13 homolog B; plus strand). Cytogenetic location: 8q22.2.
Variant type: single nucleotide variant.
Coding change: c.3358C>T on transcript NM_152564.5 (MANE Select); coding-DNA position 3358, C replaced by T.
Protein change: p.Gln1120Ter; replaces glutamine 1120 with a stop codon.
Molecular consequence: nonsense.
Genome position (GRCh38, 1-based): chr8:99,442,548, C>T. VCF-style: chr8-99442548-C-T. GRCh37 (hg19) VCF-style: chr8-100454776-C-T.
Other names: c.3358C>T, p.Gln1120Ter (NM_017890.5); short protein forms Q1120*.
Identifiers: ClinVar variation 4717588 (VCV004717588.1).